The following is an entry in ClinVar:

ClinVar aggregate classification (germline): Uncertain significance. Review status: criteria provided, multiple submitters, no conflicts (2 of 4 stars). 3 submissions from 3 submitters: Uncertain significance (2). 1 of the submissions does not count toward it. Last evaluated 2026-04-30.

Conditions:
Citrullinemia. Identifiers: Orphanet 187, MedGen C0175683, MONDO:0015991.
Citrullinemia type I (CTNL1). Also called: ASS DEFICIENCY; argininosuccinate synthetase deficiency. Identifiers: Orphanet 247525, MedGen C4721769, MONDO:0008988, OMIM 215700.

Allele frequency attached by ClinVar (database versions not stated): gnomAD exomes below 0.00001 and 0.00002; ExAC 0.00001; gnomAD 0.00003; TOPMed 0.00003; ESP Exome Variant Server 0.00008.
gnomAD v4.1: 29 of 1,613,600 alleles (0.0018%); highest among the groups gnomAD compares: African/African-American, 0.0027%; no homozygotes.

Submissions (3):

Myriad Genetics, Inc.
Classification: Uncertain significance for Citrullinemia type I. Last evaluated: 2026-04-30. Review status: criteria provided, single submitter. Criteria: Myriad Autosomal Dominant, Autosomal Recessive and X-Linked Classification Criteria (2023). Collection method: clinical testing. Allele origin: unknown.
Comment: NM_000050.4(ASS1):c.151G>A(A51T) is a missense variant classified as a variant of uncertain significance in the context of citrullinemia type 1. A51T has been observed in a case with relevant disease (PMID: 40804416). Relevant functional assessments of this variant are not available in the literature. A51T has been observed in referenced population frequency databases. In summary, there is insufficient evidence to classify NM_000050.4(ASS1):c.151G>A(A51T) as pathogenic or benign. Please note: this variant was assessed in the context of healthy population screening.

Labcorp Genetics (formerly Invitae), Labcorp
Classification: Uncertain significance for Citrullinemia. Last evaluated: 2022-01-18. Review status: criteria provided, single submitter. Criteria: Invitae Variant Classification Sherloc (09022015). Collection method: clinical testing. Allele origin: germline.
Comment: This sequence change replaces alanine, which is neutral and non-polar, with threonine, which is neutral and polar, at codon 51 of the ASS1 protein (p.Ala51Thr). This variant is not present in population databases (gnomAD no frequency). This variant has not been reported in the literature in individuals affected with ASS1-related conditions. ClinVar contains an entry for this variant (Variation ID: 1047077). Algorithms developed to predict the effect of missense changes on protein structure and function are either unavailable or do not agree on the potential impact of this missense change (SIFT: "Deleterious"; PolyPhen-2: "Probably Damaging"; Align-GVGD: "Class C0"). In summary, the available evidence is currently insufficient to determine the role of this variant in disease. Therefore, it has been classified as a Variant of Uncertain Significance.

Natera, Inc.
Classification: Uncertain significance for Citrullinemia type I. Last evaluated: 2020-07-18. Review status: no assertion criteria provided. Collection method: clinical testing. Allele origin: germline. Not counted in ClinVar's aggregate classification.

Literature cited by the submitters: PubMed 40804416 (cited by Myriad Genetics, Inc.).

NM_054012.4(ASS1):c.151G>A (p.Ala51Thr)

Gene: ASS1 (argininosuccinate synthase 1; plus strand). Cytogenetic location: 9q34.11.
Variant type: single nucleotide variant.
Coding change: c.151G>A on transcript NM_054012.4 (MANE Select); coding-DNA position 151, G replaced by A.
Protein change: p.Ala51Thr; replaces alanine 51 with threonine.
Molecular consequence: missense variant.
Genome position (GRCh38, 1-based): chr9:130,454,350, G>A. VCF-style: chr9-130454350-G-A. GRCh37 (hg19) VCF-style: chr9-133329737-G-A.
Other names: c.151G>A, p.Ala51Thr (NM_000050.4); short protein forms A51T.
Identifiers: ClinVar variation 1047077 (VCV001047077.4), dbSNP rs142350255, ClinGen allele CA5283165.